The following is an entry in ClinVar:

ClinVar aggregate classification (germline): Uncertain significance. Review status: criteria provided, multiple submitters, no conflicts (2 of 4 stars). 2 submissions from 2 submitters: Uncertain significance (2). Last evaluated 2025-04-22.

Submissions (2):

Labcorp Genetics (formerly Invitae), Labcorp
Classification: Uncertain significance. Last evaluated: 2025-04-22. Review status: criteria provided, single submitter. Criteria: Invitae Variant Classification Sherloc (09022015). Collection method: clinical testing. Allele origin: germline.
Comment: This sequence change replaces leucine, which is neutral and non-polar, with proline, which is neutral and non-polar, at codon 37 of the BEST1 protein (p.Leu37Pro). Information on the frequency of this variant in the gnomAD database is not available, as this variant may be reported differently in the database. This variant has not been reported in the literature in individuals affected with BEST1-related conditions. ClinVar contains an entry for this variant (Variation ID: 1365176). An algorithm developed to predict the effect of missense changes on protein structure and function (PolyPhen-2) suggests that this variant is likely to be disruptive. In summary, the available evidence is currently insufficient to determine the role of this variant in disease. Therefore, it has been classified as a Variant of Uncertain Significance.

Blueprint Genetics
Classification: Uncertain significance. Last evaluated: 2021-12-29. Review status: criteria provided, single submitter. Criteria: ACMG Guidelines, 2015. Collection method: clinical testing. Allele origin: germline.

NM_004183.4(BEST1):c.109_110delinsCC (p.Leu37Pro)

Gene: BEST1 (bestrophin 1; plus strand). Cytogenetic location: 11q12.3.
Variant type: Indel.
Coding change: c.109_110delinsCC on transcript NM_004183.4 (MANE Select); coding-DNA positions 109 to 110, TT replaced by CC.
Protein change: p.Leu37Pro; replaces leucine 37 with proline.
Molecular consequence: missense variant. On other transcripts: non-coding transcript variant (1), intron variant (6).
Genome position (GRCh38, 1-based): chr11:61,951,915-61,951,916, TT replaced by CC. VCF-style: chr11-61951915-TT-CC. GRCh37 (hg19) VCF-style: chr11-61719387-TT-CC.
Other names: c.109_110delinsCC, p.Leu37Pro (NM_001363592.2, NM_001440571.1, NM_001440572.1 and 1 more transcripts); c.-29+1488_-29+1489delinsCC (NM_001139443.3, NM_001300787.2, NM_001440574.1 and 3 more transcripts); short protein forms L37P.
Identifiers: ClinVar variation 1365176 (VCV001365176.7), dbSNP rs2134409956, ClinGen allele CA2573147306.